The following is an entry in ClinVar:

NM_003839.4(TNFRSF11A):c.426G>C (p.Pro142=)

Gene: TNFRSF11A (TNF receptor superfamily member 11a; plus strand). Cytogenetic location: 18q21.33.
Variant type: single nucleotide variant.
Coding change: c.426G>C on transcript NM_003839.4 (MANE Select); coding-DNA position 426, G replaced by C.
Protein change: p.Pro142=; no amino-acid change (proline 142 retained).
Molecular consequence: synonymous variant.
Genome position (GRCh38, 1-based): chr18:62,354,533, G>C. VCF-style: chr18-62354533-G-C. GRCh37 (hg19) VCF-style: chr18-60021766-G-C.
Other names: c.426G>C (NM_003839.3); c.426G>C, p.Pro142= (NM_001270949.2, NM_001270950.2, NM_001270951.2 and 1 more transcripts).
Identifiers: ClinVar variation 1413180 (VCV001413180.11), dbSNP rs139968917, ClinGen allele CA8983725.
Genomic context (GRCh38, chr18:62,354,533, plus strand): 5'-GGACTGCGAGTGCTGCCGCCGCAACACCGAGTGCGCGCCGGGCCTGGGCGCCCAGCACCC[G>C]TGTACGGGTTGGATGTGTGCGTCTGTCGGCTCTTGCTGAGCCATGCAAAGCCAGCTTTGA-3'
Protein context (NP_003830.1, residues 132-152): ECAPGLGAQH[Pro142=]LQLNKDTVCK

ClinVar aggregate classification (germline): Conflicting classifications of pathogenicity. Review status: criteria provided, conflicting classifications (1 of 4 stars). 3 submissions from 3 submitters: Uncertain significance (1); Likely benign (1). 1 of the submissions does not count toward it. Last evaluated 2025-12-05.

Conditions:
TNFRSF11A-related disorder. Also called: TNFRSF11A-related condition.

Allele frequency attached by ClinVar (database versions not stated): ESP Exome Variant Server 0.00008; 1000 Genomes Project 30x 0.00016; 1000 Genomes Project 0.00020.
gnomAD v4.1: 87 of 1,602,770 alleles (0.0054%); highest among the groups gnomAD compares: Non-Finnish European, 0.007%; no homozygotes.

Submissions (3):

Labcorp Genetics (formerly Invitae), Labcorp
Classification: Uncertain significance. Last evaluated: 2025-12-05. Review status: criteria provided, single submitter. Criteria: Invitae Variant Classification Sherloc (09022015). Collection method: clinical testing. Allele origin: germline.
Comment: This sequence change affects codon 142 of the TNFRSF11A mRNA. It is a 'silent' change, meaning that it does not change the encoded amino acid sequence of the TNFRSF11A protein. It affects a nucleotide within the consensus splice site. This variant is present in population databases (rs139968917, gnomAD 0.004%). This variant has not been reported in the literature in individuals affected with TNFRSF11A-related conditions. ClinVar contains an entry for this variant (Variation ID: 1413180). Algorithms developed to predict the effect of sequence changes on RNA splicing suggest that this variant is not likely to affect RNA splicing. In summary, the available evidence is currently insufficient to determine the role of this variant in disease. Therefore, it has been classified as a Variant of Uncertain Significance.

Blueprint Genetics
Classification: Likely benign. Last evaluated: 2024-10-21. Review status: criteria provided, single submitter. Criteria: ACMG Guidelines, 2015. Collection method: clinical testing. Allele origin: germline.

PreventionGenetics, part of Exact Sciences
Classification: Likely benign for TNFRSF11A-related condition. Last evaluated: 2019-03-14. Review status: no assertion criteria provided. Collection method: clinical testing. Allele origin: germline. Not counted in ClinVar's aggregate classification.
Comment: This variant is classified as likely benign based on ACMG/AMP sequence variant interpretation guidelines (Richards et al. 2015 PMID: 25741868, with internal and published modifications).